The following is an entry in ClinVar:

NM_006648.4(WNK2):c.6031C>A (p.Gln2011Lys)

Gene: WNK2 (WNK lysine deficient protein kinase 2; plus strand). Cytogenetic location: 9q22.31.
Variant type: single nucleotide variant.
Coding change: c.6031C>A on transcript NM_006648.4 (MANE Select); coding-DNA position 6031, C replaced by A.
Protein change: p.Gln2011Lys; replaces glutamine 2011 with lysine.
Molecular consequence: missense variant.
Genome position (GRCh38, 1-based): chr9:93,299,177, C>A. VCF-style: chr9-93299177-C-A. GRCh37 (hg19) VCF-style: chr9-96061459-C-A.
Other names: c.6142C>A, p.Gln2048Lys (NM_001282394.3); short protein forms Q2011K, Q2048K.
Identifiers: ClinVar variation 2479509 (VCV002479509.3), dbSNP rs757009769, ClinGen allele CA5130751.

ClinVar aggregate classification (germline): Uncertain significance (1 of 4 stars; one submission).

Allele frequency attached by ClinVar (database versions not stated): gnomAD exomes below 0.00001; TOPMed below 0.00001; ExAC 0.00001; gnomAD 0.00001.
gnomAD v4.1: 2 of 1,610,066 alleles (0.00012%); highest among the groups gnomAD compares: Admixed American, 0.0017%; no homozygotes.

Submission:

Ambry Genetics
Classification: Uncertain significance. Last evaluated: 2024-11-26. Review status: criteria provided, single submitter. Criteria: Ambry Variant Classification Scheme 2023. Collection method: clinical testing. Allele origin: germline.
Comment: The p.Q2011K variant (also known as c.6031C>A), located in coding exon 24 of the WNK2 gene, results from a C to A substitution at nucleotide position 6031. The glutamine at codon 2011 is replaced by lysine, an amino acid with similar properties. This amino acid position is conserved. In addition, the in silico prediction for this alteration is inconclusive. Based on the available evidence, the clinical significance of this variant remains unclear.